The following is an entry in ClinVar:

NM_004408.4(DNM1):c.162-34T>A

Genes: DNM1 (dynamin 1; plus strand), LOC113839516 (Sharpr-MPRA regulatory region 8497; plus strand). Cytogenetic location: 9q34.11.
Variant type: single nucleotide variant.
Coding change: c.162-34T>A on transcript NM_004408.4 (MANE Select); 34 bases into the intron before coding-DNA position 162, T replaced by A.
Molecular consequence: intron variant.
Genome position (GRCh38, 1-based): chr9:128,218,197, T>A. VCF-style: chr9-128218197-T-A. GRCh37 (hg19) VCF-style: chr9-130980476-T-A.
Other names: c.162-34T>A (NM_001005336.3, NM_001288738.2, NM_001288737.2 and 1 more transcripts).
Identifiers: ClinVar variation 677416 (VCV000677416.2), dbSNP rs12001345, ClinGen allele CA5257742.
Genomic context (GRCh38, chr9:128,218,197, plus strand): 5'-GAGCTTTGGCTTTCCCAGGGGCCGGACAGGTACCCCTGGGACAGAGGGCGCCCCCTCATA[T>A]CTTGACCCTCCTTTGACCTCCAACTCATTGCAGGGACTTCTTGCCTCGAGGATCTGGCAT-3'

ClinVar aggregate classification (germline): Likely benign. Review status: criteria provided, multiple submitters, no conflicts (2 of 4 stars). 2 submissions from 2 submitters: Likely benign (2). Last evaluated 2018-06-14.

Allele frequency attached by ClinVar (database versions not stated): gnomAD exomes 0.00120 and 0.00329; ExAC 0.00368; 1000 Genomes Project 0.01058; gnomAD 0.01141 and 0.01232; 1000 Genomes Project 30x 0.01171; TOPMed 0.01285; ESP Exome Variant Server 0.01315.
gnomAD v4.1: 3,561 of 1,611,078 alleles (0.22%); highest among the groups gnomAD compares: African/African-American, 3.9%; 59 homozygotes.

Submissions (2):

GeneDx
Classification: Likely benign. Last evaluated: 2018-06-14. Review status: criteria provided, single submitter. Criteria: GeneDx Variant Classification (06012015). Collection method: clinical testing. Allele origin: germline. Affected: yes.
Comment: This variant is considered likely benign or benign based on one or more of the following criteria: it is a conservative change, it occurs at a poorly conserved position in the protein, it is predicted to be benign by multiple in silico algorithms, and/or has population frequency not consistent with disease.

Breakthrough Genomics
Classification: Likely benign. Review status: criteria provided, single submitter. Criteria: ACMG Guidelines, 2015. Collection method: not provided. Allele origin: germline. Inheritance: Autosomal dominant inheritance. Affected: yes.